The following is an entry in ClinVar:

ClinVar aggregate classification (germline): Uncertain significance (1 of 4 stars; one submission).

Conditions:
Nemaline myopathy 2 (NEM2). Also called: Nemaline myopathy 2, autosomal recessive. Identifiers: MedGen C1850569, MONDO:0009725, OMIM 256030.

gnomAD v4.1: 1 of 1,611,864 alleles (0.000062%); highest among the groups gnomAD compares: Admixed American, 0.0017%; no homozygotes.

Submission:

Kariminejad - Najmabadi Pathology & Genetics Center
Classification: Uncertain significance for Nemaline myopathy 2. Last evaluated: 2024-04-20. Review status: criteria provided, single submitter. Criteria: ACMG Guidelines, 2015. Collection method: clinical testing. Allele origin: germline. Inheritance: Autosomal recessive inheritance. Affected: yes.
Comment: PM2,BP1,PP3

NM_001164508.2(NEB):c.20672T>C (p.Leu6891Pro)

Gene: NEB (nebulin; minus strand). Cytogenetic location: 2q23.3.
Variant type: single nucleotide variant.
Coding change: c.20672T>C on transcript NM_001164508.2 (MANE Select); coding-DNA position 20672, T replaced by C.
Protein change: p.Leu6891Pro; replaces leucine 6891 with proline.
Molecular consequence: missense variant.
Genome position (GRCh38, 1-based): chr2:151,541,457, A>G on the plus strand (T>C on the coding strand, the complement: NEB is on the minus strand). VCF-style: chr2-151541457-A-G. GRCh37 (hg19) VCF-style: chr2-152397971-A-G.
Other names: c.20672T>C, p.Leu6891Pro (NM_001164507.2, NM_001271208.2); c.15569T>C, p.Leu5190Pro (NM_004543.5); short protein forms L5190P, L6891P.
Identifiers: ClinVar variation 3896929 (VCV003896929.1).